The following is an entry in ClinVar:

NM_006231.4(POLE):c.5534T>C (p.Met1845Thr)

Gene: POLE (DNA polymerase epsilon, catalytic subunit; minus strand). Cytogenetic location: 12q24.33.
Variant type: single nucleotide variant.
Coding change: c.5534T>C on transcript NM_006231.4 (MANE Select); coding-DNA position 5534, T replaced by C.
Protein change: p.Met1845Thr; replaces methionine 1845 with threonine.
Molecular consequence: missense variant.
Genome position (GRCh38, 1-based): chr12:132,639,143, A>G on the plus strand (T>C on the coding strand, the complement: POLE is on the minus strand). VCF-style: chr12-132639143-A-G. GRCh37 (hg19) VCF-style: chr12-133215729-A-G.
Other names: short protein forms M1845T.
Identifiers: ClinVar variation 847710 (VCV000847710.13), dbSNP rs2042090697, ClinGen allele CA387374566.

ClinVar aggregate classification (germline): Uncertain significance. Review status: criteria provided, multiple submitters, no conflicts (2 of 4 stars). 2 submissions from 2 submitters: Uncertain significance (2). Last evaluated 2025-08-02.

Conditions:
Hereditary cancer-predisposing syndrome. Also called: Tumor predisposition; Hereditary neoplastic syndrome; Neoplastic Syndromes, Hereditary; Hereditary Cancer Syndrome. Identifiers: Orphanet 140162, MedGen C0027672, MeSH D009386, MONDO:0015356.

Submissions (2):

Ambry Genetics
Classification: Uncertain significance for Hereditary cancer-predisposing syndrome. Last evaluated: 2025-08-02. Review status: criteria provided, single submitter. Criteria: Ambry Variant Classification Scheme 2023. Collection method: clinical testing. Allele origin: germline.
Comment: The p.M1845T variant (also known as c.5534T>C), located in coding exon 40 of the POLE gene, results from a T to C substitution at nucleotide position 5534. The methionine at codon 1845 is replaced by threonine, an amino acid with similar properties. This amino acid position is conserved. In addition, the in silico prediction for this alteration is inconclusive. Since supporting evidence is limited at this time, the clinical significance of this alteration remains unclear.

Labcorp Genetics (formerly Invitae), Labcorp
Classification: Uncertain significance. Last evaluated: 2020-09-03. Review status: criteria provided, single submitter. Criteria: Invitae Variant Classification Sherloc (09022015). Collection method: clinical testing. Allele origin: germline.
Comment: This variant has not been reported in the literature in individuals with POLE-related conditions. In summary, the available evidence is currently insufficient to determine the role of this variant in disease. Therefore, it has been classified as a Variant of Uncertain Significance. Algorithms developed to predict the effect of missense changes on protein structure and function are either unavailable or do not agree on the potential impact of this missense change (SIFT: "Tolerated"; PolyPhen-2: "Probably Damaging"; Align-GVGD: "Class C0"). This variant is not present in population databases (ExAC no frequency). This sequence change replaces methionine with threonine at codon 1845 of the POLE protein (p.Met1845Thr). The methionine residue is highly conserved and there is a moderate physicochemical difference between methionine and threonine.